The following is an entry in ClinVar:

ClinVar aggregate classification (germline): Conflicting classifications of pathogenicity. Review status: criteria provided, conflicting classifications (1 of 4 stars). 6 submissions from 6 submitters: Uncertain significance (5); Likely benign (1). Last evaluated 2026-06-26.

Conditions:
Hereditary nonpolyposis colorectal neoplasms. Identifiers: MedGen C0009405, MeSH D003123.
PMS2-related disorder. Also called: PMS2-related condition.
Hereditary cancer-predisposing syndrome. Also called: Neoplastic Syndromes, Hereditary; Tumor predisposition; Hereditary Cancer Syndrome; Hereditary neoplastic syndrome. Identifiers: Orphanet 140162, MedGen C0027672, MeSH D009386, MONDO:0015356.
Lynch syndrome. Identifiers: Orphanet 144, MedGen C4552100, MONDO:0005835. Disease mechanism: loss of function.
Lynch syndrome 4 (LYNCH4). Also called: Colorectal cancer, hereditary nonpolyposis, type 4; Hereditary non-polyposis colorectal cancer, type 4. Identifiers: Orphanet 144, MedGen C1838333, MONDO:0013699, OMIM 614337. Disease mechanism: loss of function.

Allele frequency attached by ClinVar (database versions not stated): gnomAD exomes below 0.00001 and 0.00001; TOPMed below 0.00001.
gnomAD v4.1: 10 of 1,614,198 alleles (0.00062%); highest among the groups gnomAD compares: South Asian, 0.011%; no homozygotes.

Submissions (6):

PreventionGenetics, part of Exact Sciences
Classification: Uncertain significance for PMS2-related condition. Last evaluated: 2026-06-26. Review status: criteria provided, single submitter. Criteria: ACMG Guidelines, 2015. Collection method: clinical testing. Allele origin: germline.
Comment: The PMS2 c.1393A>C variant is predicted to result in the amino acid substitution p.Lys465Gln. To our knowledge, this variant has not been reported in the literature. It is reported in 0.0033% of alleles in individuals of South Asian descent in gnomAD and has conflicting interpretations in ClinVar ranging from likely benign to uncertain (Variation ID: 411057). At this time, the clinical significance of this variant is uncertain due to the absence of conclusive functional and genetic evidence.

Labcorp Genetics (formerly Invitae), Labcorp
Classification: Uncertain significance for Hereditary nonpolyposis colorectal neoplasms. Last evaluated: 2025-07-13. Review status: criteria provided, single submitter. Criteria: Invitae Variant Classification Sherloc (09022015). Collection method: clinical testing. Allele origin: germline.
Comment: This sequence change replaces lysine, which is basic and polar, with glutamine, which is neutral and polar, at codon 465 of the PMS2 protein (p.Lys465Gln). This variant is present in population databases (no rsID available, gnomAD 0.003%). This variant has not been reported in the literature in individuals affected with PMS2-related conditions. ClinVar contains an entry for this variant (Variation ID: 411057). Invitae Evidence Modeling incorporating data from in vitro experimental studies (internal data) indicates that this missense variant is not expected to disrupt PMS2 function with a negative predictive value of 95%. In summary, the available evidence is currently insufficient to determine the role of this variant in disease. Therefore, it has been classified as a Variant of Uncertain Significance.

All of Us Research Program, National Institutes of Health
Classification: Uncertain significance for Lynch syndrome. Last evaluated: 2024-03-24. Review status: criteria provided, single submitter. Criteria: ACMG Guidelines, 2015. Collection method: clinical testing. Allele origin: germline. Inheritance: Autosomal dominant inheritance. Observed: 1 variant allele, 1 heterozygote.
Comment: This missense variant replaces lysine with glutamine at codon 465 of the PMS2 protein. Computational prediction suggests that this variant may not impact protein structure and function (internally defined REVEL score threshold <= 0.5, PMID: 27666373). To our knowledge, functional studies have not been reported for this variant. This variant has not been reported in individuals affected with PMS2-related disorders in the literature. This variant has been identified in 1/251490 chromosomes in the general population by the Genome Aggregation Database (gnomAD). The available evidence is insufficient to determine the role of this variant in disease conclusively. Therefore, this variant is classified as a Variant of Uncertain Significance.

This study involves interpretation of variants in research participants for the purpose of population health screening. Participant phenotype was not available at the time of variant classification. Additional details can be found in publication PMID: 35346344, PMCID: PMC8962531

Color Diagnostics, LLC DBA Color Health
Classification: Uncertain significance for Hereditary cancer-predisposing syndrome. Last evaluated: 2024-02-16. Review status: criteria provided, single submitter. Criteria: ACMG Guidelines, 2015. Collection method: clinical testing. Allele origin: germline.
Comment: This missense variant replaces lysine with glutamine at codon 465 of the PMS2 protein. Computational prediction suggests that this variant may not impact protein structure and function. To our knowledge, functional studies have not been reported for this variant. This variant has not been reported in individuals affected with PMS2-related disorders in the literature. This variant has been identified in 1/251490 chromosomes in the general population by the Genome Aggregation Database (gnomAD). The available evidence is insufficient to determine the role of this variant in disease conclusively. Therefore, this variant is classified as a Variant of Uncertain Significance.

Ambry Genetics
Classification: Uncertain significance for Hereditary cancer-predisposing syndrome. Last evaluated: 2024-01-14. Review status: criteria provided, single submitter. Criteria: Ambry Variant Classification Scheme 2023. Collection method: clinical testing. Allele origin: germline.
Comment: The p.K465Q variant (also known as c.1393A>C), located in coding exon 11 of the PMS2 gene, results from an A to C substitution at nucleotide position 1393. The lysine at codon 465 is replaced by glutamine, an amino acid with similar properties. This amino acid position is conserved. In addition, this alteration is predicted to be tolerated by in silico analysis. Since supporting evidence is limited at this time, the clinical significance of this alteration remains unclear.

Myriad Genetics, Inc.
Classification: Likely benign for Lynch syndrome 4. Last evaluated: 2023-11-20. Review status: criteria provided, single submitter. Criteria: Myriad Autosomal Dominant, Autosomal Recessive and X-Linked Classification Criteria (2023). Collection method: clinical testing. Allele origin: unknown.
Comment: This variant is considered likely benign. Homozygosity for this variant has been confirmed in one or more individuals lacking clinical features consistent with gene-specific recessive disease, indicating that this variant is unlikely to be pathogenic.

NM_000535.7(PMS2):c.1393A>C (p.Lys465Gln)

Gene: PMS2 (PMS1 homolog 2, mismatch repair system component; minus strand). Cytogenetic location: 7p22.1.
Variant type: single nucleotide variant.
Coding change: c.1393A>C on transcript NM_000535.7 (MANE Select); coding-DNA position 1393, A replaced by C.
Protein change: p.Lys465Gln; replaces lysine 465 with glutamine.
Molecular consequence: missense variant. On other transcripts: non-coding transcript variant (1).
Genome position (GRCh38, 1-based): chr7:5,987,372, T>G on the plus strand (A>C on the coding strand, the complement: PMS2 is on the minus strand). VCF-style: chr7-5987372-T-G. GRCh37 (hg19) VCF-style: chr7-6027003-T-G.
Other names: c.988A>C, p.Lys330Gln (NM_001322003.2, NM_001322004.2, NM_001322005.2 and 1 more transcripts); c.1237A>C, p.Lys413Gln (NM_001322006.2); c.1075A>C, p.Lys359Gln (NM_001322007.2, NM_001322008.2); c.832A>C, p.Lys278Gln (NM_001322010.2); c.460A>C, p.Lys154Gln (NM_001322011.2, NM_001322012.2); c.820A>C, p.Lys274Gln (NM_001322013.2); c.1393A>C, p.Lys465Gln (NM_001322014.2); c.1084A>C, p.Lys362Gln (NM_001322015.2); and 1 more; short protein forms K465Q, K154Q, K274Q, K278Q, K359Q, K362Q, K413Q, K330Q.
Identifiers: ClinVar variation 411057 (VCV000411057.14), dbSNP rs1060503135, ClinGen allele CA16612262.
Genomic context (GRCh38, chr7:5,987,372, plus strand): 5'-TAGGGTCACTGGGTCCGTGACTGGAACTCACTGCCTCTTTCTGAGGTCTCAGGACGCCTT[T>G]GTCAGAGATGGCACCTGAAGTGCTAGAAGACAGCATACCCCTTTTCTGTCCTAGAGGGCT-3'
Protein context (NP_000526.2, residues 455-475): SSSTSGAISD[Lys465Gln]GVLRPQKEAV